The following is an entry in ClinVar:

NM_006904.7(PRKDC):c.716A>C (p.Glu239Ala)

Gene: PRKDC (protein kinase, DNA-activated, catalytic subunit; minus strand). Cytogenetic location: 8q11.21.
Variant type: single nucleotide variant.
Coding change: c.716A>C on transcript NM_006904.7 (MANE Select); coding-DNA position 716, A replaced by C.
Protein change: p.Glu239Ala; replaces glutamic acid 239 with alanine.
Molecular consequence: missense variant.
Genome position (GRCh38, 1-based): chr8:47,953,625, T>G on the plus strand (A>C on the coding strand, the complement: PRKDC is on the minus strand). VCF-style: chr8-47953625-T-G. GRCh37 (hg19) VCF-style: chr8-48866185-T-G.
Other names: c.716A>C, p.Glu239Ala (NM_001081640.2); short protein forms E239A.
Identifiers: ClinVar variation 3425218 (VCV003425218.1).
Genomic context (GRCh38, chr8:47,953,625, plus strand): 5'-GCTGGTTAGACTTACAGTTTTTGAATAAAGAAAATCAAGTGAAGCCAAGCAATACCTTCT[T>G]CCATGGACTTAGTGAAGTTGCACAGAAGTGAGGACAACCCCTTCAGACATCCTGCCAGAA-3'
Protein context (NP_008835.5, residues 229-249): SLLCNFTKSM[Glu239Ala]EDPQTSREIF

ClinVar aggregate classification (germline): Uncertain significance (1 of 4 stars; one submission).

Submission:

Ambry Genetics
Classification: Uncertain significance. Last evaluated: 2024-11-16. Review status: criteria provided, single submitter. Criteria: Ambry Variant Classification Scheme 2023. Collection method: clinical testing. Allele origin: germline.
Comment: The p.E239A variant (also known as c.716A>C), located in coding exon 7 of the PRKDC gene, results from an A to C substitution at nucleotide position 716. The glutamic acid at codon 239 is replaced by alanine, an amino acid with dissimilar properties. This amino acid position is conserved. In addition, this alteration is predicted to be tolerated by in silico analysis. Based on the available evidence, the clinical significance of this variant remains unclear.